The following is an entry in ClinVar:

NM_001308093.3(GATA4):c.369_374dup (p.Ala125_Ala126dup)

Gene: GATA4 (GATA binding protein 4). Cytogenetic location: 8p23.1.
Variant type: Duplication.
Coding change: c.369_374dup on transcript NM_001308093.3 (MANE Select); coding-DNA positions 369 to 374, 6 bases duplicated.
Protein change: p.Ala125_Ala126dup.
Molecular consequence: inframe insertion. On other transcripts: intron variant (3).
Genome position: GRCh38 VCF-style: chr8-11708675-C-CGCCGCT. GRCh37 (hg19) VCF-style: chr8-11566184-C-CGCCGCT.
Other names: c.369_374dup, p.Ala125_Ala126dup (NM_002052.5); c.-6+7903_-6+7908dup (NM_001308094.2); c.-3+667_-3+672dup (NM_001374274.1); c.-3+4377_-3+4382dup (NM_001374273.1).
Identifiers: ClinVar variation 1396860 (VCV001396860.11), dbSNP rs1462657175, ClinGen allele CA846163736.

ClinVar aggregate classification (germline): Uncertain significance. Review status: criteria provided, multiple submitters, no conflicts (2 of 4 stars). 3 submissions from 3 submitters: Uncertain significance (3). Last evaluated 2026-01-19.

Conditions:
Testicular anomalies with or without congenital heart disease (TACHD). Identifiers: Orphanet 251510, MedGen C3809858, MONDO:0014239, OMIM 615542.
Atrial septal defect 2 (ASD2). Identifiers: Orphanet 1478, MedGen C1842778, MONDO:0011938, OMIM 607941.
Ventricular septal defect 1 (VSD1). Identifiers: MedGen C3280777, MONDO:0013746, OMIM 614429.
Atrioventricular septal defect 4 (AVSD4). Identifiers: MedGen C3280781, MONDO:0013747, OMIM 614430.
Tetralogy of Fallot (TOF). Identifiers: Orphanet 3303, MedGen C0039685, MONDO:0008542, OMIM 187500, HP:0001636.

Submissions (3):

Labcorp Genetics (formerly Invitae), Labcorp
Classification: Uncertain significance for Atrioventricular septal defect 4. Last evaluated: 2026-01-19. Review status: criteria provided, single submitter. Criteria: Invitae Variant Classification Sherloc (09022015). Collection method: clinical testing. Allele origin: germline.
Comment: This variant, c.369_374dup, results in the insertion of 2 amino acid(s) of the GATA4 protein (p.Ala125_Ala126dup), but otherwise preserves the integrity of the reading frame. This variant is not present in population databases (gnomAD no frequency). This variant has been observed in individual(s) with a congenital heart defect (PMID: 18672102, 35595280). This variant is also known as c.374-375InsTGCCGC (125-126insAA), c.363_364insGCCGCT. ClinVar contains an entry for this variant (Variation ID: 1396860). Experimental studies and prediction algorithms are not available or were not evaluated, and the functional significance of this variant is currently unknown. In summary, the available evidence is currently insufficient to determine the role of this variant in disease. Therefore, it has been classified as a Variant of Uncertain Significance.

Blueprint Genetics
Classification: Uncertain significance. Last evaluated: 2022-11-28. Review status: criteria provided, single submitter. Criteria: ACMG Guidelines, 2015. Collection method: clinical testing. Allele origin: germline.

Juno Genomics, Hangzhou Juno Genomics, Inc
Classification: Uncertain significance for Tetralogy of Fallot; Ventricular septal defect 1; Testicular anomalies with or without congenital heart disease; Atrial septal defect 2; Atrioventricular septal defect 4. Review status: criteria provided, single submitter. Criteria: ACMG Guidelines, 2015. Collection method: clinical testing. Allele origin: germline.
Comment: Absent from controls (or at extremely low frequency if recessive) in Genome Aggregation Database.;Protein length changes due to in-frame deletions/insertions in a non-repeat region or stop-loss variants.

Literature cited by the submitters: PubMed 18672102 (cited by Labcorp Genetics (formerly Invitae), Labcorp); PubMed 35595280 (cited by Labcorp Genetics (formerly Invitae), Labcorp).